The following is an entry in ClinVar:

ClinVar aggregate classification (germline): Uncertain significance (1 of 4 stars; one submission).

Allele frequency attached by ClinVar (database versions not stated): ExAC 0.00010; gnomAD 0.00011; TOPMed 0.00013; gnomAD exomes 0.00014; ESP Exome Variant Server 0.00015.
gnomAD v4.1: 215 of 1,614,012 alleles (0.013%); highest among the groups gnomAD compares: Middle Eastern, 0.12%; 1 homozygote.

Submission:

Ambry Genetics
Classification: Uncertain significance. Last evaluated: 2024-09-18. Review status: criteria provided, single submitter. Criteria: Ambry Variant Classification Scheme 2023. Collection method: clinical testing. Allele origin: germline.
Comment: The p.T337M variant (also known as c.1010C>T), located in coding exon 3 of the ALPK2 gene, results from a C to T substitution at nucleotide position 1010. The threonine at codon 337 is replaced by methionine, an amino acid with similar properties. This amino acid position is conserved. In addition, this alteration is predicted to be tolerated by in silico analysis. Since supporting evidence is limited at this time, the clinical significance of this alteration remains unclear.

NM_052947.4(ALPK2):c.1010C>T (p.Thr337Met)

Genes: ALPK2 (alpha kinase 2; minus strand), LOC114803473 (ALPK2 eExon liver enhancer; plus strand). Cytogenetic location: 18q21.31.
Variant type: single nucleotide variant.
Coding change: c.1010C>T on transcript NM_052947.4 (MANE Select); coding-DNA position 1010, C replaced by T.
Protein change: p.Thr337Met; replaces threonine 337 with methionine.
Molecular consequence: missense variant.
Genome position (GRCh38, 1-based): chr18:58,579,766, G>A on the plus strand (C>T on the coding strand, the complement: ALPK2 is on the minus strand). VCF-style: chr18-58579766-G-A. GRCh37 (hg19) VCF-style: chr18-56246998-G-A.
Other names: short protein forms T337M.
Identifiers: ClinVar variation 1727476 (VCV001727476.3), dbSNP rs202105506, ClinGen allele CA8977341.